The following is an entry in ClinVar:

ClinVar aggregate classification (germline): Uncertain significance. Review status: criteria provided, multiple submitters, no conflicts (2 of 4 stars). 2 submissions from 2 submitters: Uncertain significance (2). Last evaluated 2025-01-10.

Conditions:
Aplastic anemia. Identifiers: Orphanet 182040, Orphanet 88, MedGen C0002874, MONDO:0015909, OMIM 609135, HP:0001915.
Hereditary cancer-predisposing syndrome. Also called: Neoplastic Syndromes, Hereditary; Tumor predisposition; Hereditary neoplastic syndrome; Hereditary Cancer Syndrome. Identifiers: Orphanet 140162, MedGen C0027672, MeSH D009386, MONDO:0015356.

Submissions (2):

Ambry Genetics
Classification: Uncertain significance for Hereditary cancer-predisposing syndrome. Last evaluated: 2025-01-10. Review status: criteria provided, single submitter. Criteria: Ambry Variant Classification Scheme 2023. Collection method: clinical testing. Allele origin: germline.
Comment: The p.S486T variant (also known as c.1456T>A), located in coding exon 11 of the NBN gene, results from a T to A substitution at nucleotide position 1456. The serine at codon 486 is replaced by threonine, an amino acid with similar properties. This amino acid position is conserved. In addition, this alteration is predicted to be tolerated by in silico analysis. Based on the available evidence, the clinical significance of this variant remains unclear.

Baylor Genetics
Classification: Uncertain significance for Aplastic anemia. Last evaluated: 2024-01-02. Review status: criteria provided, single submitter. Criteria: ACMG Guidelines, 2015. Collection method: clinical testing. Allele origin: unknown.

NM_002485.5(NBN):c.1456T>A (p.Ser486Thr)

Gene: NBN (nibrin; minus strand). Cytogenetic location: 8q21.3.
Variant type: single nucleotide variant.
Coding change: c.1456T>A on transcript NM_002485.5 (MANE Select); coding-DNA position 1456, T replaced by A.
Protein change: p.Ser486Thr; replaces serine 486 with threonine.
Molecular consequence: missense variant.
Genome position (GRCh38, 1-based): chr8:89,953,633, A>T on the plus strand (T>A on the coding strand, the complement: NBN is on the minus strand). VCF-style: chr8-89953633-A-T. GRCh37 (hg19) VCF-style: chr8-90965861-A-T.
Other names: c.1210T>A, p.Ser404Thr (NM_001024688.3); short protein forms S404T, S486T.
Identifiers: ClinVar variation 3239838 (VCV003239838.2), dbSNP rs587781380.